The following is an entry in ClinVar:

ClinVar aggregate classification (germline): Likely pathogenic (1 of 4 stars; one submission).

Allele frequency attached by ClinVar (database versions not stated): ExAC 0.00001; gnomAD 0.00001; gnomAD exomes 0.00002; TOPMed 0.00002.
gnomAD v4.1: 36 of 1,613,616 alleles (0.0022%); highest among the groups gnomAD compares: Non-Finnish European, 0.003%; no homozygotes.

Submission:

Labcorp Genetics (formerly Invitae), Labcorp
Classification: Likely pathogenic. Last evaluated: 2023-02-24. Review status: criteria provided, single submitter. Criteria: Invitae Variant Classification Sherloc (09022015). Collection method: clinical testing. Allele origin: germline.
Comment: This variant has been observed in individual(s) with clinical features of persistent mullerian duct syndrome (Invitae). In at least one individual the data is consistent with being in trans (on the opposite chromosome) from a pathogenic variant. This variant is present in population databases (rs766488520, gnomAD 0.0009%). This sequence change falls in intron 8 of the AMHR2 gene. It does not directly change the encoded amino acid sequence of the AMHR2 protein. It affects a nucleotide within the consensus splice site. In summary, the currently available evidence indicates that the variant is pathogenic, but additional data are needed to prove that conclusively. Therefore, this variant has been classified as Likely Pathogenic. Variants that disrupt the consensus splice site are a relatively common cause of aberrant splicing (PMID: 17576681, 9536098). Algorithms developed to predict the effect of sequence changes on RNA splicing suggest that this variant may disrupt the consensus splice site.

Literature cited by the submitters: PubMed 17576681; PubMed 9536098.

NM_020547.3(AMHR2):c.1140+6T>C

Gene: AMHR2 (anti-Mullerian hormone receptor type 2; plus strand). Cytogenetic location: 12q13.13.
Variant type: single nucleotide variant.
Coding change: c.1140+6T>C on transcript NM_020547.3 (MANE Select); 6 bases into the intron after coding-DNA position 1140, T replaced by C.
Molecular consequence: intron variant.
Genome position (GRCh38, 1-based): chr12:53,429,631, T>C. VCF-style: chr12-53429631-T-C. GRCh37 (hg19) VCF-style: chr12-53823415-T-C.
Other names: c.1140+6T>C (NM_001164690.2, NM_001164691.2).
Identifiers: ClinVar variation 2985539 (VCV002985539.3), dbSNP rs766488520, ClinGen allele CA6600526.